The following is an entry in ClinVar:

ClinVar aggregate classification (germline): Uncertain significance. Review status: criteria provided, multiple submitters, no conflicts (2 of 4 stars). 4 submissions from 4 submitters: Uncertain significance (4). Last evaluated 2024-10-22.

Conditions:
Cardiovascular phenotype. Identifiers: MedGen CN230736.
Arrhythmogenic right ventricular cardiomyopathy (ARVD). Also called: Cardiomyopathy, ARVC; Arrhythmogenic right ventricular dysplasia; Arrhythmogenic cardiomyopathy; Arrhythmogenic Right Ventricular Cardiomyopathy (ARVC). Identifiers: Orphanet 247, MedGen C0349788, MeSH D019571, MONDO:0016587. Disease mechanism: loss of function. Inheritance: Various modes of inheritance.
Cardiomyopathy (CMYO). Also called: Cardiomyopathies. Identifiers: Orphanet 167848, MedGen C0878544, MONDO:0004994, HP:0001638. Inheritance: Various modes of inheritance.
Arrhythmogenic right ventricular dysplasia 10. Also called: Arrhythmogenic right ventricular dysplasia/cardiomyopathy, type 10; Arrhythmogenic Right Ventricular Dysplasia/Cardiomyopathy10; ARRHYTHMOGENIC RIGHT VENTRICULAR DYSPLASIA, FAMILIAL, 10. Identifiers: MedGen C1857777, MONDO:0012434, OMIM 610193.

Allele frequency attached by ClinVar (database versions not stated): ExAC 0.00001; gnomAD exomes 0.00002; gnomAD 0.00003; TOPMed 0.00004.
gnomAD v4.1: 20 of 1,613,352 alleles (0.0012%); highest among the groups gnomAD compares: East Asian, 0.0045%; no homozygotes.

Submissions (4):

Labcorp Genetics (formerly Invitae), Labcorp
Classification: Uncertain significance for Arrhythmogenic right ventricular dysplasia 10. Last evaluated: 2024-10-22. Review status: criteria provided, single submitter. Criteria: Invitae Variant Classification Sherloc (09022015). Collection method: clinical testing. Allele origin: germline.
Comment: This sequence change replaces arginine, which is basic and polar, with cysteine, which is neutral and slightly polar, at codon 548 of the DSG2 protein (p.Arg548Cys). This variant is present in population databases (rs550400909, gnomAD 0.005%). This missense change has been observed in individual(s) with sudden cardiac arrest (PMID: 30975432). ClinVar contains an entry for this variant (Variation ID: 466332). Invitae Evidence Modeling of protein sequence and biophysical properties (such as structural, functional, and spatial information, amino acid conservation, physicochemical variation, residue mobility, and thermodynamic stability) indicates that this missense variant is not expected to disrupt DSG2 protein function with a negative predictive value of 95%. In summary, the available evidence is currently insufficient to determine the role of this variant in disease. Therefore, it has been classified as a Variant of Uncertain Significance.

All of Us Research Program, National Institutes of Health
Classification: Uncertain significance for Arrhythmogenic right ventricular cardiomyopathy. Last evaluated: 2023-10-27. Review status: criteria provided, single submitter. Criteria: ACMG Guidelines, 2015. Collection method: clinical testing. Allele origin: germline. Inheritance: Autosomal dominant inheritance. Observed: 2 variant alleles, 2 heterozygotes.
Comment: This missense variant replaces arginine with cysteine at codon 548 of the DSG2 protein. Computational prediction is inconclusive regarding the impact of this variant on protein structure and function (internally defined REVEL score threshold 0.5 < inconclusive < 0.7, PMID: 27666373). To our knowledge, functional studies have not been reported for this variant. This variant has been reported in a sudden cardiac arrest survivor (PMID: 30975432). This variant has been identified in 6/279360 chromosomes in the general population by the Genome Aggregation Database (gnomAD). The available evidence is insufficient to determine the role of this variant in disease conclusively. Therefore, this variant is classified as a Variant of Uncertain Significance.

This study involves interpretation of variants in research participants for the purpose of population health screening. Participant phenotype was not available at the time of variant classification. Additional details can be found in publication PMID: 35346344, PMCID: PMC8962531

Color Diagnostics, LLC DBA Color Health
Classification: Uncertain significance for Cardiomyopathy. Last evaluated: 2022-10-24. Review status: criteria provided, single submitter. Criteria: ACMG Guidelines, 2015. Collection method: clinical testing. Allele origin: germline.
Comment: This missense variant replaces arginine with cysteine at codon 548 of the DSG2 protein. Computational prediction suggests that this variant may not impact protein structure and function (internally defined REVEL score threshold <= 0.5, PMID: 27666373). To our knowledge, functional studies have not been reported for this variant. This variant has been reported in a sudden cardiac arrest survivor (PMID: 30975432). This variant has been identified in 6/279360 chromosomes in the general population by the Genome Aggregation Database (gnomAD). The available evidence is insufficient to determine the role of this variant in disease conclusively. Therefore, this variant is classified as a Variant of Uncertain Significance.

Ambry Genetics
Classification: Uncertain significance for Cardiovascular phenotype. Last evaluated: 2022-01-25. Review status: criteria provided, single submitter. Criteria: Ambry Variant Classification Scheme 2023. Collection method: clinical testing. Allele origin: germline.
Comment: The p.R548C variant (also known as c.1642C>T), located in coding exon 11 of the DSG2 gene, results from a C to T substitution at nucleotide position 1642. The arginine at codon 548 is replaced by cysteine, an amino acid with highly dissimilar properties. This alteration has been reported in a sudden cardiac arrest cohort (Asatryan B et al. Am J Cardiol, 2019 06;123:2031-2038). This amino acid position is highly conserved in available vertebrate species. In addition, this alteration is predicted to be tolerated by in silico analysis. Since supporting evidence is limited at this time, the clinical significance of this alteration remains unclear.

Literature cited by the submitters: PubMed 30975432 (cited by 4 submitters).

NM_001943.5(DSG2):c.1642C>T (p.Arg548Cys)

Gene: DSG2 (desmoglein 2; plus strand). Cytogenetic location: 18q12.1.
Variant type: single nucleotide variant.
Coding change: c.1642C>T on transcript NM_001943.5 (MANE Select); coding-DNA position 1642, C replaced by T.
Protein change: p.Arg548Cys; replaces arginine 548 with cysteine.
Molecular consequence: missense variant.
Genome position (GRCh38, 1-based): chr18:31,536,420, C>T. VCF-style: chr18-31536420-C-T. GRCh37 (hg19) VCF-style: chr18-29116383-C-T.
Other names: c.1642C>T (LRG_397t1); short protein forms R548C.
Identifiers: ClinVar variation 466332 (VCV000466332.15), dbSNP rs550400909, ClinGen allele CA043088.